The following is an entry in ClinVar:

ClinVar aggregate classification (germline): Uncertain significance (1 of 4 stars; one submission).

Conditions:
Intellectual disability, autosomal recessive 53 (NEDHSCA). Also called: NEURODEVELOPMENTAL DISORDER WITH OR WITHOUT HYPOTONIA, SEIZURES, AND CEREBELLAR ATROPHY; GLYCOSYLPHOSPHATIDYLINOSITOL BIOSYNTHESIS DEFECT 13; Mental retardation, autosomal recessive 53. Identifiers: Orphanet 488635, MedGen C4310794, MONDO:0014832, OMIM 616917.

Allele frequency attached by ClinVar (database versions not stated): gnomAD exomes 0.00001.
gnomAD v4.1: 21 of 1,613,750 alleles (0.0013%); highest among the groups gnomAD compares: Non-Finnish European, 0.0016%; no homozygotes.

Submission:

Labcorp Genetics (formerly Invitae), Labcorp
Classification: Uncertain significance for Intellectual disability, autosomal recessive 53. Last evaluated: 2022-07-24. Review status: criteria provided, single submitter. Criteria: Invitae Variant Classification Sherloc (09022015). Collection method: clinical testing. Allele origin: germline.
Comment: In summary, the available evidence is currently insufficient to determine the role of this variant in disease. Therefore, it has been classified as a Variant of Uncertain Significance. Algorithms developed to predict the effect of missense changes on protein structure and function are either unavailable or do not agree on the potential impact of this missense change (SIFT: "Tolerated"; PolyPhen-2: "Probably Damaging"; Align-GVGD: "Class C0"). This variant has not been reported in the literature in individuals affected with PIGG-related conditions. This variant is present in population databases (no rsID available, gnomAD 0.007%). This sequence change replaces proline, which is neutral and non-polar, with leucine, which is neutral and non-polar, at codon 811 of the PIGG protein (p.Pro811Leu).

NM_001127178.3(PIGG):c.2432C>T (p.Pro811Leu)

Gene: PIGG (phosphatidylinositol glycan anchor biosynthesis class G (EMM blood group); plus strand). Cytogenetic location: 4p16.3.
Variant type: single nucleotide variant.
Coding change: c.2432C>T on transcript NM_001127178.3 (MANE Select); coding-DNA position 2432, C replaced by T.
Protein change: p.Pro811Leu; replaces proline 811 with leucine.
Molecular consequence: missense variant. On other transcripts: non-coding transcript variant (6).
Genome position (GRCh38, 1-based): chr4:530,606, C>T. VCF-style: chr4-530606-C-T. GRCh37 (hg19) VCF-style: chr4-524395-C-T.
Other names: c.2165C>T, p.Pro722Leu (NM_001289051.2, NM_001345986.2); c.2033C>T, p.Pro678Leu (NM_001289052.2); c.2141C>T, p.Pro714Leu (NM_001345987.2); c.1403C>T, p.Pro468Leu (NM_001345988.2); c.899C>T, p.Pro300Leu (NM_001345990.2, NM_001345991.2); c.1334C>T, p.Pro445Leu (NM_001345994.2); c.2408C>T, p.Pro803Leu (NM_017733.5); short protein forms P445L, P811L, P300L, P468L, P678L, P714L, P722L, P803L.
Identifiers: ClinVar variation 1947927 (VCV001947927.5), dbSNP rs1249169730, ClinGen allele CA355910145.